The following is an entry in ClinVar:

NM_017636.4(TRPM4):c.2188A>T (p.Ile730Phe)

Gene: TRPM4 (transient receptor potential cation channel subfamily M member 4; plus strand). Cytogenetic location: 19q13.33.
Variant type: single nucleotide variant.
Coding change: c.2188A>T on transcript NM_017636.4 (MANE Select); coding-DNA position 2188, A replaced by T.
Protein change: p.Ile730Phe; replaces isoleucine 730 with phenylalanine.
Molecular consequence: missense variant.
Genome position (GRCh38, 1-based): chr19:49,190,751, A>T. VCF-style: chr19-49190751-A-T. GRCh37 (hg19) VCF-style: chr19-49694008-A-T.
Other names: c.2188A>T, p.Ile730Phe (NM_001195227.2); c.1843A>T, p.Ile615Phe (NM_001321281.2); c.580A>T, p.Ile194Phe (NM_001321282.2); c.1666A>T, p.Ile556Phe (NM_001321283.2); c.1126A>T, p.Ile376Phe (NM_001321285.2); short protein forms I194F, I376F, I556F, I615F, I730F.
Identifiers: ClinVar variation 2087166 (VCV002087166.4), dbSNP rs2514153621, ClinGen allele CA406806273.
Genomic context (GRCh38, chr19:49,190,751, plus strand): 5'-GCTAGGAAATCAGAAGAGGAGCCCACACGGGAGGAGCTAGAGTTTGACATGGATAGTGTC[A>T]TTAATGGGGAAGGGCCTGTCGGGTGAGTGGAGCCTCCAGCACTGTGTGAGGTGGGGACAC-3'
Protein context (NP_060106.2, residues 720-740): EELEFDMDSV[Ile730Phe]NGEGPVGTAD

ClinVar aggregate classification (germline): Uncertain significance (1 of 4 stars; one submission).

Conditions:
Progressive familial heart block type IB (PFHB1B). Identifiers: Orphanet 871, MedGen C1970298, MONDO:0011474, OMIM 604559.

Submission:

Labcorp Genetics (formerly Invitae), Labcorp
Classification: Uncertain significance for Progressive familial heart block type IB. Last evaluated: 2022-04-01. Review status: criteria provided, single submitter. Criteria: Invitae Variant Classification Sherloc (09022015). Collection method: clinical testing. Allele origin: germline.
Comment: This variant is not present in population databases (gnomAD no frequency). In summary, the available evidence is currently insufficient to determine the role of this variant in disease. Therefore, it has been classified as a Variant of Uncertain Significance. Algorithms developed to predict the effect of missense changes on protein structure and function (SIFT, PolyPhen-2, Align-GVGD) all suggest that this variant is likely to be tolerated. This variant has not been reported in the literature in individuals affected with TRPM4-related conditions. This sequence change replaces isoleucine, which is neutral and non-polar, with phenylalanine, which is neutral and non-polar, at codon 730 of the TRPM4 protein (p.Ile730Phe).